The following is an entry in ClinVar:

ClinVar aggregate classification (germline): Conflicting classifications of pathogenicity. Review status: criteria provided, conflicting classifications (1 of 4 stars). 3 submissions from 3 submitters: Uncertain significance (1); Likely benign (2). Last evaluated 2025-07-29.

Conditions:
Hereditary cancer-predisposing syndrome. Also called: Tumor predisposition; Neoplastic Syndromes, Hereditary; Hereditary Cancer Syndrome; Hereditary neoplastic syndrome. Identifiers: Orphanet 140162, MedGen C0027672, MeSH D009386, MONDO:0015356.
Rhabdoid tumor predisposition syndrome 2 (RTPS2). Identifiers: Orphanet 231108, Orphanet 69077, MedGen C2750074, MONDO:0013224, OMIM 613325.

Submissions (3):

Labcorp Genetics (formerly Invitae), Labcorp
Classification: Likely benign for Rhabdoid tumor predisposition syndrome 2. Last evaluated: 2025-07-29. Review status: criteria provided, single submitter. Criteria: Invitae Variant Classification Sherloc (09022015). Collection method: clinical testing. Allele origin: germline.

Quest Diagnostics Nichols Institute San Juan Capistrano
Classification: Uncertain significance. Last evaluated: 2025-05-27. Review status: criteria provided, single submitter. Criteria: Quest Diagnostics criteria. Collection method: clinical testing. Allele origin: unknown.
Comment: The SMARCA4 c.4824G>A (p.Glu1608=) synonymous variant has not been reported in individuals with SMARCA4-related conditions in the published literature. The frequency of this variant in the general population (Genome Aggregation Database) is uninformative in the assessment of its pathogenicity. Analysis of this variant using software algorithms for the prediction of the effect of nucleotide changes on splicing yielded predictions that this variant does not affect SMARCA4 mRNA splicing. Based on the available information, we are unable to determine the clinical significance of this variant.

Ambry Genetics
Classification: Likely benign for Hereditary cancer-predisposing syndrome. Last evaluated: 2020-12-10. Review status: criteria provided, single submitter. Criteria: Ambry Variant Classification Scheme 2023. Collection method: clinical testing. Allele origin: germline.

NM_003072.5(SMARCA4):c.4728G>A (p.Glu1576=)

Gene: SMARCA4 (SWI/SNF related BAF chromatin remodeling complex subunit ATPase 4; plus strand). Cytogenetic location: 19p13.2.
Variant type: single nucleotide variant.
Coding change: c.4728G>A on transcript NM_003072.5 (MANE Select); coding-DNA position 4728, G replaced by A.
Protein change: p.Glu1576=; no amino-acid change (glutamic acid 1576 retained).
Molecular consequence: synonymous variant. On other transcripts: non-coding transcript variant (1).
Genome position (GRCh38, 1-based): chr19:11,059,845, G>A. VCF-style: chr19-11059845-G-A. GRCh37 (hg19) VCF-style: chr19-11170521-G-A.
Other names: c.4824G>A (NM_001128849.1); c.4728G>A, p.Glu1576= (NM_001128844.3); c.4638G>A, p.Glu1546= (NM_001128845.2); c.4635G>A, p.Glu1545= (NM_001128846.2); c.4629G>A, p.Glu1543= (NM_001128847.4, NM_001374457.1); c.4626G>A, p.Glu1542= (NM_001128848.2); c.4824G>A, p.Glu1608= (NM_001128849.3, NM_001387283.1); c.4725G>A, p.Glu1575= (NM_001411150.1).
Identifiers: ClinVar variation 1903840 (VCV001903840.7), dbSNP rs978353840, ClinGen allele CA305298937.